The following is an entry in ClinVar:

NM_005861.4(STUB1):c.853G>A (p.Ala285Thr)

Genes: JMJD8 (jumonji domain containing 8; minus strand), STUB1 (STIP1 homology and U-box containing protein 1; plus strand). Cytogenetic location: 16p13.3.
Variant type: single nucleotide variant.
Coding change: c.853G>A on transcript NM_005861.4 (MANE Select); coding-DNA position 853, G replaced by A.
Protein change: p.Ala285Thr; replaces alanine 285 with threonine.
Molecular consequence: missense variant. On other transcripts: 3 prime UTR variant (5), non-coding transcript variant (3).
Genome position (GRCh38, 1-based): chr16:682,430, G>A. VCF-style: chr16-682430-G-A. GRCh37 (hg19) VCF-style: chr16-732430-G-A.
Other names: c.637G>A, p.Ala213Thr (NM_001293197.2); c.*364C>T (NM_001005920.4, NM_001323919.3, NM_001323920.3); c.*398C>T (NM_001323918.3, NM_001323922.3); short protein forms A213T, A285T.
Identifiers: ClinVar variation 1698117 (VCV001698117.3), dbSNP rs2151507182, ClinGen allele CA394114656.

ClinVar aggregate classification (germline): Uncertain significance (1 of 4 stars; one submission).

Submission:

GeneDx
Classification: Uncertain significance. Last evaluated: 2025-03-26. Review status: criteria provided, single submitter. Criteria: GeneDx Variant Classification Process June 2021. Collection method: clinical testing. Allele origin: germline.
Comment: Not observed at significant frequency in large population cohorts (gnomAD); In silico analysis indicates that this missense variant does not alter protein structure/function; Has not been previously published as pathogenic or benign to our knowledge